The following is an entry in ClinVar:

ClinVar aggregate classification (germline): Likely pathogenic. Review status: criteria provided, multiple submitters, no conflicts (2 of 4 stars). 2 submissions from 2 submitters: Likely pathogenic (2). Last evaluated 2025-07-01.

gnomAD v4.1: 2 of 1,584,168 alleles (0.00013%); highest among the groups gnomAD compares: African/African-American, 0.0013%; no homozygotes.

Submissions (2):

CeGaT Center for Human Genetics Tuebingen
Classification: Likely pathogenic. Last evaluated: 2025-07-01. Review status: criteria provided, single submitter. Criteria: CeGaT Center For Human Genetics Tuebingen Variant Classification Criteria Version 2. Collection method: clinical testing. Allele origin: germline. Affected: yes. Observed: 3 variant alleles.
Comment: CYP19A1: PM3:Strong, PM2

Labcorp Genetics (formerly Invitae), Labcorp
Classification: Likely pathogenic. Last evaluated: 2024-02-11. Review status: criteria provided, single submitter. Criteria: Invitae Variant Classification Sherloc (09022015). Collection method: clinical testing. Allele origin: germline.
Comment: This sequence change replaces arginine, which is basic and polar, with glutamine, which is neutral and polar, at codon 115 of the CYP19A1 protein (p.Arg115Gln). This variant is not present in population databases (gnomAD no frequency). This missense change has been observed in individual(s) with aromatase deficiency (PMID: 32623730, 33108086). In at least one individual the data is consistent with being in trans (on the opposite chromosome) from a pathogenic variant. Advanced modeling of protein sequence and biophysical properties (such as structural, functional, and spatial information, amino acid conservation, physicochemical variation, residue mobility, and thermodynamic stability) performed at Invitae indicates that this missense variant is expected to disrupt CYP19A1 protein function with a positive predictive value of 80%. In summary, the currently available evidence indicates that the variant is pathogenic, but additional data are needed to prove that conclusively. Therefore, this variant has been classified as Likely Pathogenic.

Literature cited by the submitters: PubMed 32623730 (cited by Labcorp Genetics (formerly Invitae), Labcorp); PubMed 33108086 (cited by Labcorp Genetics (formerly Invitae), Labcorp).

NM_000103.4(CYP19A1):c.344G>A (p.Arg115Gln)

Genes: CYP19A1 (cytochrome P450 family 19 subfamily A member 1; minus strand), MIR4713HG (MIR4713 host gene; plus strand), PIRC66 (piwi-interacting RNA cluster 66; plus strand). Cytogenetic location: 15q21.2.
Variant type: single nucleotide variant.
Coding change: c.344G>A on transcript NM_000103.4 (MANE Select); coding-DNA position 344, G replaced by A.
Protein change: p.Arg115Gln; replaces arginine 115 with glutamine.
Molecular consequence: missense variant.
Genome position (GRCh38, 1-based): chr15:51,227,886, C>T on the plus strand (G>A on the coding strand, the complement: CYP19A1 is on the minus strand). VCF-style: chr15-51227886-C-T. GRCh37 (hg19) VCF-style: chr15-51520083-C-T.
Other names: c.344G>A, p.Arg115Gln (NM_001347248.1, NM_001347249.2, NM_001347250.2 and 7 more transcripts); short protein forms R115Q.
Identifiers: ClinVar variation 3677127 (VCV003677127.12).